The following is an entry in ClinVar:

NM_006361.6(HOXB13):c.403G>A (p.Gly135Arg)

Gene: HOXB13 (homeobox B13; minus strand). Cytogenetic location: 17q21.32.
Variant type: single nucleotide variant.
Coding change: c.403G>A on transcript NM_006361.6 (MANE Select); coding-DNA position 403, G replaced by A.
Protein change: p.Gly135Arg; replaces glycine 135 with arginine.
Molecular consequence: missense variant.
Genome position (GRCh38, 1-based): chr17:48,728,191, C>T on the plus strand (G>A on the coding strand, the complement: HOXB13 is on the minus strand). VCF-style: chr17-48728191-C-T. GRCh37 (hg19) VCF-style: chr17-46805553-C-T.
Other names: c.403G>A (NM_006361.5); short protein forms G135R.
Identifiers: ClinVar variation 1511000 (VCV001511000.9), dbSNP rs2143072314, ClinGen allele CA400107529.

ClinVar aggregate classification (germline): Uncertain significance. Review status: criteria provided, multiple submitters, no conflicts (2 of 4 stars). 2 submissions from 2 submitters: Uncertain significance (2). Last evaluated 2025-08-20.

Conditions:
Hereditary cancer-predisposing syndrome. Also called: Hereditary neoplastic syndrome; Neoplastic Syndromes, Hereditary; Tumor predisposition; Hereditary Cancer Syndrome. Identifiers: Orphanet 140162, MedGen C0027672, MeSH D009386, MONDO:0015356.

Allele frequency attached by ClinVar (database versions not stated): gnomAD exomes below 0.00001.
gnomAD v4.1: 2 of 1,614,192 alleles (0.00012%); highest among the groups gnomAD compares: Non-Finnish European, 0.00017%; no homozygotes.

Submissions (2):

Labcorp Genetics (formerly Invitae), Labcorp
Classification: Uncertain significance. Last evaluated: 2025-08-20. Review status: criteria provided, single submitter. Criteria: Invitae Variant Classification Sherloc (09022015). Collection method: clinical testing. Allele origin: germline.
Comment: This sequence change replaces glycine, which is neutral and non-polar, with arginine, which is basic and polar, at codon 135 of the HOXB13 protein (p.Gly135Arg). This variant is not present in population databases (gnomAD no frequency). This variant has not been reported in the literature in individuals affected with HOXB13-related conditions. ClinVar contains an entry for this variant (Variation ID: 1511000). Invitae Evidence Modeling of protein sequence and biophysical properties (such as structural, functional, and spatial information, amino acid conservation, physicochemical variation, residue mobility, and thermodynamic stability) indicates that this missense variant is not expected to disrupt HOXB13 protein function with a negative predictive value of 80%. In summary, the available evidence is currently insufficient to determine the role of this variant in disease. Therefore, it has been classified as a Variant of Uncertain Significance.

Ambry Genetics
Classification: Uncertain significance for Hereditary cancer-predisposing syndrome. Last evaluated: 2023-02-25. Review status: criteria provided, single submitter. Criteria: Ambry Variant Classification Scheme 2023. Collection method: clinical testing. Allele origin: germline.
Comment: The p.G135R variant (also known as c.403G>A), located in coding exon 1 of the HOXB13 gene, results from a G to A substitution at nucleotide position 403. The glycine at codon 135 is replaced by arginine, an amino acid with dissimilar properties. This amino acid position is conserved. In addition, the in silico prediction for this alteration is inconclusive. Since supporting evidence is limited at this time, the clinical significance of this alteration remains unclear.